The following is an entry in ClinVar:

ClinVar aggregate classification (germline): Likely pathogenic (1 of 4 stars; one submission).

Conditions:
Dilated cardiomyopathy 1G (CMD1G). Identifiers: Orphanet 154, MedGen C1858763, MONDO:0011400, OMIM 604145.
Autosomal recessive limb-girdle muscular dystrophy type 2J (LGMDR10). Also called: Limb-girdle muscular dystrophy, type 2J; MUSCULAR DYSTROPHY, LIMB-GIRDLE, AUTOSOMAL RECESSIVE 10. Identifiers: Orphanet 140922, MedGen C1837342, MONDO:0012127, OMIM 608807.

Submission:

Labcorp Genetics (formerly Invitae), Labcorp
Classification: Likely pathogenic for Dilated cardiomyopathy 1G; Autosomal recessive limb-girdle muscular dystrophy type 2J. Last evaluated: 2023-12-06. Review status: criteria provided, single submitter. Criteria: Invitae Variant Classification Sherloc (09022015). Collection method: clinical testing. Allele origin: germline.
Comment: This sequence change inserts a large fragment of DNA, likely a transposable element, in exon 358 of the TTN gene (c.103726_103727ins?), causing a frameshift at codon 34576 (p.Asp34576fs). The exact size and sequence of the insertion cannot be determined by the current assay. While this is not anticipated to result in nonsense mediated decay, it is expected to create a truncated TTN protein. This variant is not present in population databases (gnomAD no frequency). This variant has not been reported in the literature in individuals affected with TTN-related conditions. ClinVar contains an entry for this variant (Variation ID: 1993582). This variant is located in the M band of TTN (PMID: 25589632). Truncating variants in this region have been previously reported in individuals affected with autosomal recessive myopathy and muscular dystrophy (PMID: 18948003, 23975875, 24395473). Truncating variants in this region have also been identified in individuals affected with autosomal dominant dilated cardiomyopathy and/or cardio-related conditions (PMID: 27869827, 32964742). Retrotransposon insertions including LINE1 (L1), Alu, and SVA (SINE-VNTR-Alu) have been reported to disrupt protein function (PMID: 19763152, 20307669, 22406018). However the effect of this particular variant is unknown. In summary, the currently available evidence indicates that the variant is pathogenic, but additional data are needed to prove that conclusively. Therefore, this variant has been classified as Likely Pathogenic.

Literature cited by the submitters: PubMed 25589632; PubMed 18948003; PubMed 23975875; PubMed 24395473; PubMed 27869827; PubMed 32964742; PubMed 19763152; PubMed 20307669; PubMed 22406018.

NM_001267550.2(TTN):c.103726_103727insGGCCGGGCGCGGTGGCTCACGCCTGTAATCCCAGCACTTTGGGAGGCCGAGGCGGGCGGATCACGAGGTCAGNNNNNNNNNNAAAAAAAAAAAAAAAAAAAAAAAAAGATACGTG (p.Asp34576delinsGlyProGlyAlaValAlaHisAlaCysAsnProSerThrLeuGlyGlyArgGlyGlyArgIleThrArgSerXaaXaaXaaXaaLysLysLysLysLysLysLysLysAspThrTer)

Genes: TTN (titin; minus strand), TTN-AS1 (TTN antisense RNA 1; plus strand). Cytogenetic location: 2q31.2.
Variant type: Insertion.
Coding change: c.103726_103727insGGCCGGGCGCGGTGGCTCACGCCTGTAATCCCAGCACTTTGGGAGGCCGAGGCGGGCGGATCACGAGGTCAGNNNNNNNNNNAAAAAAAAAAAAAAAAAAAAAAAAAGATACGTG on transcript NM_001267550.2 (MANE Select); coding-DNA positions 103726 to 103727, GGCCGGGCGCGGTGGCTCACGCCTGTAATCCCAGCACTTTGGGAGGCCGAGGCGGGCGGATCACGAGGTCAGNNNNNNNNNNAAAAAAAAAAAAAAAAAAAAAAAAAGATACGTG inserted.
Protein change: p.Asp34576delinsGlyProGlyAlaValAlaHisAlaCysAsnProSerThrLeuGlyGlyArgGlyGlyArgIleThrArgSerXaaXaaXaaXaaLysLysLysLysLysLysLysLysAspThrTer.
Molecular consequence: nonsense.
Genome position: GRCh38: chr2:178,532,901-178,532,902. GRCh37 (hg19): chr2:179,397,628-179,397,629.
Other names: c.98803_98804insGGCCGGGCGCGGTGGCTCACGCCTGTAATCCCAGCACTTTGGGAGGCCGAGGCGGGCGGATCACGAGGTCAGNNNNNNNNNNAAAAAAAAAAAAAAAAAAAAAAAAAGATACGTG, p.Asp32935delinsGlyProGlyAlaValAlaHisAlaCysAsnProSerThrLeuGlyGlyArgGlyGlyArgIleThrArgSerXaaXaaXaaXaaLysLysLysLysLysLysLysLysAspThrTer (NM_001256850.1); c.76531_76532insGGCCGGGCGCGGTGGCTCACGCCTGTAATCCCAGCACTTTGGGAGGCCGAGGCGGGCGGATCACGAGGTCAGNNNNNNNNNNAAAAAAAAAAAAAAAAAAAAAAAAAGATACGTG, p.Asp25511delinsGlyProGlyAlaValAlaHisAlaCysAsnProSerThrLeuGlyGlyArgGlyGlyArgIleThrArgSerXaaXaaXaaXaaLysLysLysLysLysLysLysLysAspThrTer (NM_003319.4); c.96022_96023insGGCCGGGCGCGGTGGCTCACGCCTGTAATCCCAGCACTTTGGGAGGCCGAGGCGGGCGGATCACGAGGTCAGNNNNNNNNNNAAAAAAAAAAAAAAAAAAAAAAAAAGATACGTG, p.Asp32008delinsGlyProGlyAlaValAlaHisAlaCysAsnProSerThrLeuGlyGlyArgGlyGlyArgIleThrArgSerXaaXaaXaaXaaLysLysLysLysLysLysLysLysAspThrTer (NM_133378.4); c.76906_76907insGGCCGGGCGCGGTGGCTCACGCCTGTAATCCCAGCACTTTGGGAGGCCGAGGCGGGCGGATCACGAGGTCAGNNNNNNNNNNAAAAAAAAAAAAAAAAAAAAAAAAAGATACGTG, p.Asp25636delinsGlyProGlyAlaValAlaHisAlaCysAsnProSerThrLeuGlyGlyArgGlyGlyArgIleThrArgSerXaaXaaXaaXaaLysLysLysLysLysLysLysLysAspThrTer (NM_133432.3); c.77107_77108insGGCCGGGCGCGGTGGCTCACGCCTGTAATCCCAGCACTTTGGGAGGCCGAGGCGGGCGGATCACGAGGTCAGNNNNNNNNNNAAAAAAAAAAAAAAAAAAAAAAAAAGATACGTG, p.Asp25703delinsGlyProGlyAlaValAlaHisAlaCysAsnProSerThrLeuGlyGlyArgGlyGlyArgIleThrArgSerXaaXaaXaaXaaLysLysLysLysLysLysLysLysAspThrTer (NM_133437.4).
Identifiers: ClinVar variation 1993582 (VCV001993582.4), dbSNP rs2468469536.